The following is an entry in ClinVar:

ClinVar aggregate classification (germline): Benign. Review status: reviewed by expert panel (3 of 4 stars). 13 submissions from 13 submitters: Benign (1). 12 of the submissions do not count toward it. Last evaluated 2017-06-29.

Conditions:
BRCA2-related disorder. Also called: BRCA2-related condition; BRCA2-related disorders. Identifiers: MedGen CN239275.
Hereditary cancer-predisposing syndrome. Also called: Tumor predisposition; Neoplastic Syndromes, Hereditary; Hereditary Cancer Syndrome; Hereditary neoplastic syndrome. Identifiers: Orphanet 140162, MedGen C0027672, MeSH D009386, MONDO:0015356.
Hereditary breast ovarian cancer syndrome. Also called: Hereditary breast and ovarian cancer; Hereditary breast and ovarian cancer syndrome (HBOC); Breast and ovarian cancer; Hereditary breast and/or ovarian cancer syndrome; BRCA1- and BRCA2-Associated Hereditary Breast and Ovarian Cancer; Hereditary breast and ovarian cancer syndrome. Identifiers: Orphanet 145, MedGen C0677776, MeSH D061325, MONDO:0003582. Disease mechanism: loss of function.
Breast-ovarian cancer, familial, susceptibility to, 2 (BROVCA2). Also called: BRCA2 Hereditary Breast and Ovarian Cancer. Identifiers: Orphanet 145, MedGen C2675520, MONDO:0012933, OMIM 612555. Disease mechanism: loss of function.

Allele frequency attached by ClinVar (database versions not stated): ExAC 0.00052; gnomAD exomes 0.00055 and 0.00021; TOPMed 0.00003; gnomAD 0.00044 and 0.00047.
gnomAD v4.1: 373 of 1,613,996 alleles (0.023%); highest among the groups gnomAD compares: Non-Finnish European, 0.0059%; no homozygotes.

Submissions (13):

Evidence-based Network for the Interpretation of Germline Mutant Alleles (ENIGMA)
Classification: Benign for Breast-ovarian cancer, familial, susceptibility to, 2. Last evaluated: 2017-06-29. Review status: reviewed by expert panel. Criteria: ENIGMA BRCA1/2 Classification Criteria (2017-06-29). Collection method: curation. Allele origin: germline.
Comment: Synonymous substitution variant, with low bioinformatic likelihood to alter mRNA splicing (splicing prior 0.02) and frequency 0.0033 (Finnish), derived from ExAC (2014-12-17).

PreventionGenetics, part of Exact Sciences
Classification: Likely benign for BRCA2-related condition. Last evaluated: 2026-05-04. Review status: criteria provided, single submitter. Criteria: ACMG Guidelines, 2015. Collection method: clinical testing. Allele origin: germline. Not counted in ClinVar's aggregate classification.
Comment: This variant is classified as likely benign based on ACMG/AMP sequence variant interpretation guidelines (Richards et al. 2015 PMID: 25741868, with internal and published modifications).

CeGaT Center for Human Genetics Tuebingen
Classification: Likely benign. Last evaluated: 2026-03-01. Review status: criteria provided, single submitter. Criteria: CeGaT Center For Human Genetics Tuebingen Variant Classification Criteria Version 2. Collection method: clinical testing. Allele origin: germline. Affected: yes. Observed: 1 variant allele. Not counted in ClinVar's aggregate classification.
Comment: BRCA2: BP4, BP7

Labcorp Genetics (formerly Invitae), Labcorp
Classification: Benign for Hereditary breast ovarian cancer syndrome. Last evaluated: 2026-01-06. Review status: criteria provided, single submitter. Criteria: Invitae Variant Classification Sherloc (09022015). Collection method: clinical testing. Allele origin: germline. Not counted in ClinVar's aggregate classification.

Center for Genomic Medicine, Rigshospitalet, Copenhagen University Hospital
Classification: Benign. Last evaluated: 2025-03-04. Review status: criteria provided, single submitter. Criteria: ACMG Guidelines, 2015. Collection method: clinical testing. Allele origin: germline. Not counted in ClinVar's aggregate classification.

Blueprint Genetics
Classification: Likely benign. Last evaluated: 2024-09-12. Review status: criteria provided, single submitter. Criteria: ACMG Guidelines, 2015. Collection method: clinical testing. Allele origin: germline. Not counted in ClinVar's aggregate classification.

All of Us Research Program, National Institutes of Health
Classification: Likely benign for Breast-ovarian cancer, familial, susceptibility to, 2. Last evaluated: 2023-12-13. Review status: criteria provided, single submitter. Criteria: ACMG Guidelines, 2015. Collection method: clinical testing. Allele origin: germline. Inheritance: Autosomal dominant inheritance. Observed: 11 variant alleles, 11 heterozygotes. Not counted in ClinVar's aggregate classification.
Comment: This study involves interpretation of variants in research participants for the purpose of population health screening. Participant phenotype was not available at the time of variant classification. Additional details can be found in publication PMID: 35346344, PMCID: PMC8962531

Sema4
Classification: Benign for Hereditary cancer-predisposing syndrome. Last evaluated: 2022-03-16. Review status: criteria provided, single submitter. Criteria: Sema4 Curation Guidelines. Collection method: curation. Allele origin: germline. Not counted in ClinVar's aggregate classification.

GeneDx
Classification: Likely benign. Last evaluated: 2021-09-07. Review status: criteria provided, single submitter. Criteria: GeneDx Variant Classification Process June 2021. Collection method: clinical testing. Allele origin: germline. Affected: yes. Not counted in ClinVar's aggregate classification.
Comment: This variant is associated with the following publications: (PMID: 10399947, 9150152, 9585608, 20104584)

ARUP Laboratories, Molecular Genetics and Genomics, ARUP Laboratories
Classification: Likely benign. Last evaluated: 2019-08-30. Review status: criteria provided, single submitter. Criteria: ARUP Molecular Germline Variant Investigation Process. Collection method: clinical testing. Allele origin: germline. Not counted in ClinVar's aggregate classification.

Color Diagnostics, LLC DBA Color Health
Classification: Likely benign for Hereditary cancer-predisposing syndrome. Last evaluated: 2017-01-13. Review status: criteria provided, single submitter. Criteria: ACMG Guidelines, 2015. Collection method: clinical testing. Allele origin: germline. Not counted in ClinVar's aggregate classification.

Women's Health and Genetics/Laboratory Corporation of America, LabCorp
Classification: Benign. Last evaluated: 2016-05-18. Review status: criteria provided, single submitter. Criteria: LabCorp Variant Classification Summary - May 2015. Collection method: clinical testing. Allele origin: germline. Not counted in ClinVar's aggregate classification.
Comment: Variant summary: The BRCA2 c.9411T>G (p.Thr3137Thr) variant involves the alteration of a non-conserved nucleotide, resulting in a synonymous change. One in silico tool predicts a damaging outcome for this variant, and 4/5 Alamut algorithms predict no significant change to splicing. This variant was found in 63/121504 control chromosomes, predominantly observed in the ExAC European (Finnish) subpopulation at a frequency of 0.0033303 (22/6606). This frequency is about 4 times the estimated maximal expected allele frequency of a pathogenic BRCA2 variant (0.0007503), suggesting this is likely a benign polymorphism found primarily in the populations of European (Finnish) origin. This variant has also been detected mainly in Finnish cancer patients from the literature, but without evidence of causality. In addition, multiple clinical diagnostic laboratories/reputable databases classified this variant as likely benign. Taken together, this variant is classified as benign.

Ambry Genetics
Classification: Likely benign for Hereditary cancer-predisposing syndrome. Last evaluated: 2014-11-20. Review status: criteria provided, single submitter. Criteria: Ambry Variant Classification Scheme 2023. Collection method: clinical testing. Allele origin: germline. Not counted in ClinVar's aggregate classification.

Literature cited by the submitters: PubMed 9150152 (cited by Women's Health and Genetics/Laboratory Corporation of America, LabCorp); PubMed 10399947 (cited by Women's Health and Genetics/Laboratory Corporation of America, LabCorp); PubMed 20104584 (cited by Women's Health and Genetics/Laboratory Corporation of America, LabCorp); PubMed 9585608 (cited by Women's Health and Genetics/Laboratory Corporation of America, LabCorp).

NM_000059.4(BRCA2):c.9411T>G (p.Thr3137=)

Gene: BRCA2 (BRCA2 DNA repair associated; plus strand). Cytogenetic location: 13q13.1.
Variant type: single nucleotide variant.
Coding change: c.9411T>G on transcript NM_000059.4 (MANE Select); coding-DNA position 9411, T replaced by G.
Protein change: p.Thr3137=; no amino-acid change (threonine 3137 retained).
Molecular consequence: synonymous variant.
Genome position (GRCh38, 1-based): chr13:32,394,843, T>G. VCF-style: chr13-32394843-T-G. GRCh37 (hg19) VCF-style: chr13-32968980-T-G.
Identifiers: ClinVar variation 183987 (VCV000183987.41), dbSNP rs1799968, ClinGen allele CA026146.